The following is an entry in ClinVar:

NM_003060.4(SLC22A5):c.952-5_955del

Gene: SLC22A5 (solute carrier family 22 member 5; plus strand). Cytogenetic location: 5q31.1.
Variant type: Deletion.
Coding change: c.952-5_955del on transcript NM_003060.4 (MANE Select); 5 bases into the intron before coding-DNA position 952 through coding-DNA position 955, 9 bases deleted (TGCAGTTAC; older notation c.952-5_955delTGCAGTTAC).
Molecular consequence: splice acceptor variant.
Genome position (GRCh38, 1-based): chr5:132,388,916-132,388,924, TGCAGTTAC deleted; deleting any 9 consecutive bases within chr5:132,388,915-132,388,924 gives the same sequence; the c. name uses the placement nearest the transcript's 3' end. VCF-style (leftmost placement, unchanged base first): chr5-132388914-CCTGCAGTTA-C. GRCh37 (hg19) VCF-style: chr5-131724606-CCTGCAGTTA-C.
Other names: c.1024-5_1027del (NM_001308122.2).
Identifiers: ClinVar variation 1521895 (VCV001521895.9), dbSNP rs2126787981, ClinGen allele CA2573138876.

ClinVar aggregate classification (germline): Pathogenic/Likely pathogenic. Review status: criteria provided, multiple submitters, no conflicts (2 of 4 stars). 3 submissions from 3 submitters: Pathogenic (1); Likely pathogenic (2). Last evaluated 2022-07-12.

Conditions:
Renal carnitine transport defect (CDSP). Also called: Primary carnitine deficiency; CARNITINE DEFICIENCY, SYSTEMIC, DUE TO DEFECT IN RENAL REABSORPTION OF CARNITINE; CARNITINE TRANSPORTER, PLASMA-MEMBRANE, DEFICIENCY OF; CARNITINE UPTAKE DEFECT; Carnitine transporter deficiency; Systemic primary carnitine deficiency disease. Identifiers: Orphanet 158, MedGen C0342788, MONDO:0008919, OMIM 212140.

Submissions (3):

Labcorp Genetics (formerly Invitae), Labcorp
Classification: Likely pathogenic for Renal carnitine transport defect. Last evaluated: 2022-07-12. Review status: criteria provided, single submitter. Criteria: Invitae Variant Classification Sherloc (09022015). Collection method: clinical testing. Allele origin: germline.
Comment: In summary, the currently available evidence indicates that the variant is pathogenic, but additional data are needed to prove that conclusively. Therefore, this variant has been classified as Likely Pathogenic. Algorithms developed to predict the effect of sequence changes on RNA splicing suggest that this variant may disrupt the consensus splice site. ClinVar contains an entry for this variant (Variation ID: 1521895). This variant has not been reported in the literature in individuals affected with SLC22A5-related conditions. This variant is not present in population databases (gnomAD no frequency). This variant results in the deletion of part of exon 6 (c.952-5_955del) of the SLC22A5 gene. It is expected to disrupt RNA splicing. Variants that disrupt the donor or acceptor splice site typically lead to a loss of protein function (PMID: 16199547), and loss-of-function variants in SLC22A5 are known to be pathogenic (PMID: 9916797).

Revvity Omics, Revvity
Classification: Likely pathogenic for Renal carnitine transport defect. Last evaluated: 2022-05-16. Review status: criteria provided, single submitter. Criteria: ACMG Guidelines, 2015. Collection method: clinical testing. Allele origin: germline.

Mendelics
Classification: Pathogenic for Renal carnitine transport defect. Last evaluated: 2022-05-04. Review status: criteria provided, single submitter. Criteria: Mendelics Assertion Criteria 2019. Collection method: clinical testing. Allele origin: germline.

Literature cited by the submitters: PubMed 16199547 (cited by Labcorp Genetics (formerly Invitae), Labcorp); PubMed 9916797 (cited by Labcorp Genetics (formerly Invitae), Labcorp).